The following is an entry in ClinVar:

ClinVar aggregate classification (germline): Uncertain significance (1 of 4 stars; one submission).

Allele frequency attached by ClinVar (database versions not stated): ExAC 0.00002; gnomAD 0.00002; TOPMed 0.00003; ESP Exome Variant Server 0.00015.
gnomAD v4.1: 86 of 1,611,872 alleles (0.0053%); highest among the groups gnomAD compares: Non-Finnish European, 0.0071%; no homozygotes.

Submission:

Labcorp Genetics (formerly Invitae), Labcorp
Classification: Uncertain significance. Last evaluated: 2024-04-22. Review status: criteria provided, single submitter. Criteria: Invitae Variant Classification Sherloc (09022015). Collection method: clinical testing. Allele origin: germline.
Comment: This sequence change replaces asparagine, which is neutral and polar, with lysine, which is basic and polar, at codon 66 of the IL12RB2 protein (p.Asn66Lys). This variant is present in population databases (rs372100914, gnomAD 0.007%). This variant has not been reported in the literature in individuals affected with IL12RB2-related conditions. An algorithm developed to predict the effect of missense changes on protein structure and function (PolyPhen-2) suggests that this variant is likely to be disruptive. In summary, the available evidence is currently insufficient to determine the role of this variant in disease. Therefore, it has been classified as a Variant of Uncertain Significance.

NM_001374259.2(IL12RB2):c.198C>G (p.Asn66Lys)

Gene: IL12RB2 (interleukin 12 receptor subunit beta 2; plus strand). Cytogenetic location: 1p31.3.
Variant type: single nucleotide variant.
Coding change: c.198C>G on transcript NM_001374259.2 (MANE Select); coding-DNA position 198, C replaced by G.
Protein change: p.Asn66Lys; replaces asparagine 66 with lysine.
Molecular consequence: missense variant. On other transcripts: non-coding transcript variant (2).
Genome position (GRCh38, 1-based): chr1:67,321,723, C>G. VCF-style: chr1-67321723-C-G. GRCh37 (hg19) VCF-style: chr1-67787406-C-G.
Other names: c.198C>G, p.Asn66Lys (NM_001258214.1, NM_001258215.1, NM_001258216.1 and 2 more transcripts); short protein forms N66K.
Identifiers: ClinVar variation 2727856 (VCV002727856.3), dbSNP rs372100914, ClinGen allele CA900142.